The following is an entry in ClinVar:

NM_003998.4(NFKB1):c.1471A>G (p.Lys491Glu)

Gene: NFKB1 (nuclear factor kappa B subunit 1; plus strand). Cytogenetic location: 4q24.
Variant type: single nucleotide variant.
Coding change: c.1471A>G on transcript NM_003998.4 (MANE Select); coding-DNA position 1471, A replaced by G.
Protein change: p.Lys491Glu; replaces lysine 491 with glutamic acid.
Molecular consequence: missense variant.
Genome position (GRCh38, 1-based): chr4:102,596,308, A>G. VCF-style: chr4-102596308-A-G. GRCh37 (hg19) VCF-style: chr4-103517465-A-G.
Other names: c.1468A>G, p.Lys490Glu (NM_001165412.2, NM_001319226.2, NM_001382627.1); c.1471A>G, p.Lys491Glu (NM_001382625.1, NM_001382626.1); c.1429A>G, p.Lys477Glu (NM_001382628.1); c.1471A>G (NM_003998.3); short protein forms K477E, K491E, K490E.
Identifiers: ClinVar variation 3001541 (VCV003001541.4), dbSNP rs1343662720, ClinGen allele CA357751167.

ClinVar aggregate classification (germline): Uncertain significance. Review status: criteria provided, multiple submitters, no conflicts (2 of 4 stars). 2 submissions from 2 submitters: Uncertain significance (2). Last evaluated 2025-08-26.

Conditions:
Inborn genetic diseases. Identifiers: MedGen C0950123, MeSH D030342.

Submissions (2):

Ambry Genetics
Classification: Uncertain significance for Inborn genetic diseases. Last evaluated: 2025-08-26. Review status: criteria provided, single submitter. Criteria: Ambry Variant Classification Scheme 2023. Collection method: clinical testing. Allele origin: germline.

Labcorp Genetics (formerly Invitae), Labcorp
Classification: Uncertain significance. Last evaluated: 2023-06-27. Review status: criteria provided, single submitter. Criteria: Invitae Variant Classification Sherloc (09022015). Collection method: clinical testing. Allele origin: germline.
Comment: This sequence change replaces lysine, which is basic and polar, with glutamic acid, which is acidic and polar, at codon 491 of the NFKB1 protein (p.Lys491Glu). Advanced modeling of protein sequence and biophysical properties (such as structural, functional, and spatial information, amino acid conservation, physicochemical variation, residue mobility, and thermodynamic stability) performed at Invitae indicates that this missense variant is not expected to disrupt NFKB1 protein function. In summary, the available evidence is currently insufficient to determine the role of this variant in disease. Therefore, it has been classified as a Variant of Uncertain Significance. This variant is not present in population databases (gnomAD no frequency). This variant has not been reported in the literature in individuals affected with NFKB1-related conditions.